The following is an entry in ClinVar:

ClinVar aggregate classification (germline): Conflicting classifications of pathogenicity. Review status: criteria provided, conflicting classifications (1 of 4 stars). 2 submissions from 2 submitters: Uncertain significance (1); Likely benign (1). Last evaluated 2025-07-15.

Conditions:
Very long chain acyl-CoA dehydrogenase deficiency (ACADVLD). Also called: VLCAD Deficiency; Very Long-Chain Acyl-Coenzyme A Dehydrogenase Deficiency. Identifiers: Orphanet 26793, MedGen C3887523, MONDO:0008723, OMIM 201475.

Allele frequency attached by ClinVar (database versions not stated): gnomAD exomes 0.00001; ExAC 0.00002; TOPMed 0.00004.

Submissions (2):

Labcorp Genetics (formerly Invitae), Labcorp
Classification: Likely benign for Very long chain acyl-CoA dehydrogenase deficiency. Last evaluated: 2025-07-15. Review status: criteria provided, single submitter. Criteria: Invitae Variant Classification Sherloc (09022015). Collection method: clinical testing. Allele origin: germline.

Wong Mito Lab, Molecular and Human Genetics, Baylor College of Medicine
Classification: Uncertain significance for Very long chain acyl-CoA dehydrogenase deficiency. Last evaluated: 2019-11-01. Review status: criteria provided, single submitter. Criteria: ACMG Guidelines, 2015. Collection method: clinical testing. Allele origin: germline.
Comment: The NM_000018.3:c.1827+10G>A (NP_000009.1:p.?) [GRCH38: NC_000017.11:g.7224894G>A] variant in ACADVL gene is interpretated to be Uncertain Significance based on ACMG guidelines (PMID: 25741868). This variant has been reported. This variant dose not meet any evidence codes reported in the ACMG guidelines.

NM_000018.4(ACADVL):c.1827+10G>A

Gene: ACADVL (acyl-CoA dehydrogenase very long chain; plus strand). Cytogenetic location: 17p13.1.
Variant type: single nucleotide variant.
Coding change: c.1827+10G>A on transcript NM_000018.4 (MANE Select); 10 bases into the intron after coding-DNA position 1827, G replaced by A.
Molecular consequence: intron variant.
Genome position (GRCh38, 1-based): chr17:7,224,894, G>A. VCF-style: chr17-7224894-G-A. GRCh37 (hg19) VCF-style: chr17-7128213-G-A.
Other names: c.1896+10G>A (NM_001270447.2); c.1599+10G>A (NM_001270448.2); c.1761+10G>A (NM_001033859.3).
Identifiers: ClinVar variation 759073 (VCV000759073.11), dbSNP rs766755156, ClinGen allele CA8338279.
Genomic context (GRCh38, chr17:7,224,894, plus strand): 5'-CACCCCACGGCCCAGCATGAGAAAATGCTCTGTGACACCTGGTGTATCGAGGTGAGACTC[G>A]GGGCTGCCAAGCTCAGGTGAGGGCTGGAGGTGCAGGCCCAACCCCTCCTTCCCTCTCCCC-3'